The following is an entry in ClinVar:

NM_000551.4(VHL):c.544A>G (p.Arg182Gly)

Genes: VHL (von Hippel-Lindau tumor suppressor; plus strand), LOC107303340 (3p25 von Hippel-Lindau tumor suppressor, E3 ubiquitin protein ligase Alu-mediated recombination region; plus strand). Cytogenetic location: 3p25.3.
Variant type: single nucleotide variant.
Coding change: c.544A>G on transcript NM_000551.4 (MANE Select); coding-DNA position 544, A replaced by G.
Protein change: p.Arg182Gly; replaces arginine 182 with glycine.
Molecular consequence: missense variant. On other transcripts: 3 prime UTR variant (1).
Genome position (GRCh38, 1-based): chr3:10,149,867, A>G. VCF-style: chr3-10149867-A-G. GRCh37 (hg19) VCF-style: chr3-10191551-A-G.
Other names: c.*98A>G (NM_001354723.2); c.421A>G, p.Arg141Gly (NM_198156.3); short protein forms R182G, R141G.
Identifiers: ClinVar variation 220655 (VCV000220655.28), dbSNP rs778205243, ClinGen allele CA041490.

ClinVar aggregate classification (germline): Conflicting classifications of pathogenicity. Review status: criteria provided, conflicting classifications (1 of 4 stars). 10 submissions from 10 submitters: Uncertain significance (6); Likely benign (3). 1 of the submissions does not count toward it. Last evaluated 2026-01-11.

Conditions:
VHL-related disorder. Also called: VHL-related condition.
Chuvash polycythemia. Also called: POLYCYTHEMIA, VHL-DEPENDENT. Identifiers: Orphanet 238557, MedGen C1837915, MONDO:0009892, OMIM 263400.
Von Hippel-Lindau syndrome (VHLS). Also called: Von Hippel-Lindau; VHL syndrome; von Hippel–Lindau syndrome. Identifiers: Orphanet 892, MedGen C0019562, MONDO:0008667, OMIM 193300. Disease mechanism: loss of function.
Hereditary cancer-predisposing syndrome. Also called: Neoplastic Syndromes, Hereditary; Tumor predisposition; Hereditary Cancer Syndrome; Hereditary neoplastic syndrome. Identifiers: Orphanet 140162, MedGen C0027672, MeSH D009386, MONDO:0015356.
Nonpapillary renal cell carcinoma. Identifiers: Orphanet 422526, MedGen CN074294, MONDO:0007763, OMIM 144700.
Pheochromocytoma. Also called: MAX-Related Hereditary Paraganglioma-Pheochromocytoma Syndrome. Identifiers: Orphanet 29072, MedGen C0031511, MONDO:0008233, OMIM 171300, HP:0002666.

Allele frequency attached by ClinVar (database versions not stated): gnomAD 0.00001; gnomAD exomes 0.00001 and 0.00002; ExAC 0.00002.
gnomAD v4.1: 6 of 1,614,094 alleles (0.00037%); highest among the groups gnomAD compares: Admixed American, 0.01%; no homozygotes.

Submissions (10):

Labcorp Genetics (formerly Invitae), Labcorp
Classification: Uncertain significance for Von Hippel-Lindau syndrome; Chuvash polycythemia. Last evaluated: 2026-01-11. Review status: criteria provided, single submitter. Criteria: Invitae Variant Classification Sherloc (09022015). Collection method: clinical testing. Allele origin: germline.
Comment: This sequence change replaces arginine, which is basic and polar, with glycine, which is neutral and non-polar, at codon 182 of the VHL protein (p.Arg182Gly). This variant is present in population databases (rs778205243, gnomAD 0.01%). This missense change has been observed in individual(s) with clinical features of hereditary erythrocytosis (PMID: 29790589). ClinVar contains an entry for this variant (Variation ID: 220655). Invitae Evidence Modeling of protein sequence and biophysical properties (such as structural, functional, and spatial information, amino acid conservation, physicochemical variation, residue mobility, and thermodynamic stability) has been performed for this missense variant. However, the output from this modeling did not meet the statistical confidence thresholds required to predict the impact of this variant on VHL protein function. In summary, the available evidence is currently insufficient to determine the role of this variant in disease. Therefore, it has been classified as a Variant of Uncertain Significance.

PreventionGenetics, part of Exact Sciences
Classification: Uncertain significance for VHL-related condition. Last evaluated: 2025-12-19. Review status: criteria provided, single submitter. Criteria: ACMG Guidelines, 2015. Collection method: clinical testing. Allele origin: germline.
Comment: The VHL c.544A>G variant is predicted to result in the amino acid substitution p.Arg182Gly. This variant was reported in an individual with clinical features consistent with erythrocytosis (Oliveira et al. 2018. PubMed ID: 29790589). This variant is reported in 0.017% of alleles in individuals of Latino descent in gnomAD and has conflicting classifications in ClinVar ranging form likely benign to uncertain (Variation ID: 220655). At this time, the clinical significance of this variant is uncertain due to the absence of conclusive functional and genetic evidence.

All of Us Research Program, National Institutes of Health
Classification: Uncertain significance for Von Hippel-Lindau syndrome. Last evaluated: 2024-07-29. Review status: criteria provided, single submitter. Criteria: ACMG Guidelines, 2015. Collection method: clinical testing. Allele origin: germline. Inheritance: Autosomal dominant inheritance. Observed: 4 variant alleles, 4 heterozygotes.
Comment: This missense variant replaces arginine with glycine at codon 182 of the VHL protein. Computational prediction is inconclusive regarding the impact of this variant on protein structure and function (internally defined REVEL score threshold 0.5 < inconclusive < 0.7, PMID: 27666373). To our knowledge, functional studies have not been reported for this variant. This variant has been reported in heterozygous state in an individual affected with suspected hereditary erythrocytosis (PMID: 29790589). This variant has been identified in 6/282832 chromosomes in the general population by the Genome Aggregation Database (gnomAD). The available evidence is insufficient to determine the role of this variant in disease conclusively. Therefore, this variant is classified as a Variant of Uncertain Significance.

This study involves interpretation of variants in research participants for the purpose of population health screening. Participant phenotype was not available at the time of variant classification. Additional details can be found in publication PMID: 35346344, PMCID: PMC8962531

Fulgent Genetics
Classification: Uncertain significance for Nonpapillary renal cell carcinoma; Pheochromocytoma; Von Hippel-Lindau syndrome; Chuvash polycythemia. Last evaluated: 2024-05-16. Review status: criteria provided, single submitter. Criteria: ACMG Guidelines, 2015. Collection method: clinical testing. Allele origin: germline.

Baylor Genetics
Classification: Uncertain significance for Chuvash polycythemia. Last evaluated: 2023-12-22. Review status: criteria provided, single submitter. Criteria: ACMG Guidelines, 2015. Collection method: clinical testing. Allele origin: unknown.

Ambry Genetics
Classification: Likely benign for Hereditary cancer-predisposing syndrome. Last evaluated: 2023-06-08. Review status: criteria provided, single submitter. Criteria: Ambry Variant Classification Scheme 2023. Collection method: clinical testing. Allele origin: germline.

Blueprint Genetics
Classification: Likely benign. Last evaluated: 2019-06-12. Review status: criteria provided, single submitter. Criteria: ACMG Guidelines, 2015. Collection method: clinical testing. Allele origin: germline.

GeneDx
Classification: Uncertain significance. Last evaluated: 2018-04-13. Review status: criteria provided, single submitter. Criteria: GeneDx Variant Classification (06012015). Collection method: clinical testing. Allele origin: germline. Affected: yes.
Comment: This variant is denoted VHL c.544A>G at the cDNA level, p.Arg182Gly (R182G) at the protein level, and results in the change of an Arginine to a Glycine (AGG>GGG). This variant has not, to our knowledge, been published in the literature as being pathogenic or benign. VHL Arg182Gly was observed at an allele frequency of 0.01% (5/34418) in individuals of Latino ancestry in large population cohorts (Lek 2016). Since Arginine and Glycine differ in polarity, charge, size or other properties, this is considered a non-conservative amino acid substitution. VHL Arg182Gly is located in the alpha domain (Yuen 2009). In silico analysis, which includes protein predictors and evolutionary conservation, supports a deleterious effect. Based on currently available evidence, it is unclear whether VHL Arg182Gly is pathogenic or benign. We consider it to be a variant of uncertain significance.

Illumina Laboratory Services, Illumina
Classification: Likely benign for Von Hippel-Lindau syndrome. Last evaluated: 2018-01-12. Review status: criteria provided, single submitter. Criteria: ICSL Variant Classification Criteria 13 December 2019. Collection method: clinical testing. Allele origin: germline.
Comment: This variant was observed in the ICSL laboratory as part of a predisposition screen in an ostensibly healthy population. It had not been previously curated by ICSL or reported in the Human Gene Mutation Database (HGMD: prior to June 1st, 2018), and was therefore a candidate for classification through an automated scoring system. Utilizing variant allele frequency, disease prevalence and penetrance estimates, and inheritance mode, an automated score was calculated to assess if this variant is too frequent to cause the disease. Based on the score and internal cut-off values, a variant classified as likely benign is not then subjected to further curation. The score for this variant resulted in a classification of likely benign for this disease.

Counsyl
Classification: Uncertain significance for Von Hippel-Lindau syndrome. Last evaluated: 2018-06-04. Review status: no assertion criteria provided. Collection method: clinical testing. Allele origin: unknown. Not counted in ClinVar's aggregate classification.

Literature cited by the submitters: PubMed 29790589 (cited by Labcorp Genetics (formerly Invitae), Labcorp and All of Us Research Program, National Institutes of Health).